The following is an entry in ClinVar:

NM_001190787.3(MCIDAS):c.8C>A (p.Ala3Glu)

Genes: MCIDAS (multiciliate differentiation and DNA synthesis associated cell cycle protein; minus strand), LOC129993892 (ATAC-STARR-seq lymphoblastoid silent region 16010; plus strand). Cytogenetic location: 5q11.2.
Variant type: single nucleotide variant.
Coding change: c.8C>A on transcript NM_001190787.3 (MANE Select); coding-DNA position 8, C replaced by A.
Protein change: p.Ala3Glu; replaces alanine 3 with glutamic acid.
Molecular consequence: missense variant.
Genome position (GRCh38, 1-based): chr5:55,227,131, G>T on the plus strand (C>A on the coding strand, the complement: MCIDAS is on the minus strand). VCF-style: chr5-55227131-G-T. GRCh37 (hg19) VCF-style: chr5-54522959-G-T.
Other names: short protein forms A3E.
Identifiers: ClinVar variation 957013 (VCV000957013.8), dbSNP rs1268527093, ClinGen allele CA359734872.
Genomic context (GRCh38, chr5:55,227,131, plus strand): 5'-AGCATTCTGTTGGGGCAGATGCTGTCGAAGGCCCGACGGCCGGCCGCGCCGCCCCCGCAC[G>T]CCTGCATTGTGCCTCCTGCCTCCGGGTGCCGACTGCTCGGAGGCGGCGGCCCGGGCTGGG-3'
Protein context (NP_001177716.1, residues 1-13): MQ[Ala3Glu]CGGGAAGRRA

ClinVar aggregate classification (germline): Uncertain significance (1 of 4 stars; one submission).

Conditions:
Primary ciliary dyskinesia. Also called: Ciliary dyskinesia. Identifiers: Orphanet 244, MedGen C0008780, MONDO:0016575, HP:0012265.

Allele frequency attached by ClinVar (database versions not stated): TOPMed below 0.00001; gnomAD 0.00001; gnomAD exomes 0.00002 and 0.00003.
gnomAD v4.1: 40 of 1,460,902 alleles (0.0027%); highest among the groups gnomAD compares: Non-Finnish European, 0.0034%; no homozygotes.

Submission:

Labcorp Genetics (formerly Invitae), Labcorp
Classification: Uncertain significance for Primary ciliary dyskinesia. Last evaluated: 2025-07-09. Review status: criteria provided, single submitter. Criteria: Invitae Variant Classification Sherloc (09022015). Collection method: clinical testing. Allele origin: germline.
Comment: This sequence change replaces alanine, which is neutral and non-polar, with glutamic acid, which is acidic and polar, at codon 3 of the MCIDAS protein (p.Ala3Glu). The frequency data for this variant in the population databases is considered unreliable, as metrics indicate poor data quality at this position in the gnomAD database. This variant has not been reported in the literature in individuals affected with MCIDAS-related conditions. ClinVar contains an entry for this variant (Variation ID: 957013). An algorithm developed to predict the effect of missense changes on protein structure and function outputs the following: PolyPhen-2: "Benign". The glutamic acid amino acid residue is found in multiple mammalian species, which suggests that this missense change does not adversely affect protein function. In summary, the available evidence is currently insufficient to determine the role of this variant in disease. Therefore, it has been classified as a Variant of Uncertain Significance.